The following is an entry in ClinVar:

ClinVar aggregate classification (germline): Uncertain significance (1 of 4 stars; one submission).

Submission:

Labcorp Genetics (formerly Invitae), Labcorp
Classification: Uncertain significance. Last evaluated: 2024-08-20. Review status: criteria provided, single submitter. Criteria: Invitae Variant Classification Sherloc (09022015). Collection method: clinical testing. Allele origin: germline.
Comment: This sequence change replaces arginine, which is basic and polar, with cysteine, which is neutral and slightly polar, at codon 1052 of the POLR3B protein (p.Arg1052Cys). This variant is not present in population databases (gnomAD no frequency). This variant has not been reported in the literature in individuals affected with POLR3B-related conditions. Invitae Evidence Modeling of protein sequence and biophysical properties (such as structural, functional, and spatial information, amino acid conservation, physicochemical variation, residue mobility, and thermodynamic stability) indicates that this missense variant is expected to disrupt POLR3B protein function with a positive predictive value of 80%. In summary, the available evidence is currently insufficient to determine the role of this variant in disease. Therefore, it has been classified as a Variant of Uncertain Significance.

NM_018082.6(POLR3B):c.3154C>T (p.Arg1052Cys)

Genes: POLR3B (RNA polymerase III subunit B; plus strand), RFX4-AS1 (RFX4 antisense RNA 1; minus strand). Cytogenetic location: 12q23.3.
Variant type: single nucleotide variant.
Coding change: c.3154C>T on transcript NM_018082.6 (MANE Select); coding-DNA position 3154, C replaced by T.
Protein change: p.Arg1052Cys; replaces arginine 1052 with cysteine.
Molecular consequence: missense variant.
Genome position (GRCh38, 1-based): chr12:106,504,136, C>T. VCF-style: chr12-106504136-C-T. GRCh37 (hg19) VCF-style: chr12-106897914-C-T.
Other names: c.2980C>T, p.Arg994Cys (NM_001160708.2); short protein forms R994C, R1052C.
Identifiers: ClinVar variation 3671766 (VCV003671766.2).
Genomic context (GRCh38, chr12:106,504,136, plus strand): 5'-CAAAGGCAACCCACTGAAGGACGGTCTCGTGATGGTGGCTTGCGTCTCGGGGAAATGGAA[C>T]GTGACTGTTTAATCGGTTATGGAGCCAGTATGCTTTTGCTAGAGAGACTAATGATTTCAA-3'
Protein context (NP_060552.4, residues 1042-1062): DGGLRLGEME[Arg1052Cys]DCLIGYGASM